The following is an entry in ClinVar:

NM_006648.4(WNK2):c.5510T>G (p.Val1837Gly)

Gene: WNK2 (WNK lysine deficient protein kinase 2; plus strand). Cytogenetic location: 9q22.31.
Variant type: single nucleotide variant.
Coding change: c.5510T>G on transcript NM_006648.4 (MANE Select); coding-DNA position 5510, T replaced by G.
Protein change: p.Val1837Gly; replaces valine 1837 with glycine.
Molecular consequence: missense variant.
Genome position (GRCh38, 1-based): chr9:93,292,975, T>G. VCF-style: chr9-93292975-T-G. GRCh37 (hg19) VCF-style: chr9-96055257-T-G.
Other names: c.5621T>G, p.Val1874Gly (NM_001282394.3); short protein forms V1837G, V1874G.
Identifiers: ClinVar variation 3816994 (VCV003816994.1).

ClinVar aggregate classification (germline): Uncertain significance (1 of 4 stars; one submission).

gnomAD v4.1: 5 of 1,544,704 alleles (0.00032%); highest among the groups gnomAD compares: Middle Eastern, 0.017%; no homozygotes.

Submission:

Ambry Genetics
Classification: Uncertain significance. Last evaluated: 2025-02-03. Review status: criteria provided, single submitter. Criteria: Ambry Variant Classification Scheme 2023. Collection method: clinical testing. Allele origin: germline.
Comment: The p.V1837G variant (also known as c.5510T>G), located in coding exon 22 of the WNK2 gene, results from a T to G substitution at nucleotide position 5510. The valine at codon 1837 is replaced by glycine, an amino acid with dissimilar properties. This amino acid position is conserved. In addition, the in silico prediction for this alteration is inconclusive. Based on the available evidence, the clinical significance of this variant remains unclear.